The following is an entry in ClinVar:

NM_001199138.2(NLRC4):c.1879G>A (p.Ala627Thr)

Gene: NLRC4 (NLR family CARD domain containing 4; minus strand). Cytogenetic location: 2p22.3.
Variant type: single nucleotide variant.
Coding change: c.1879G>A on transcript NM_001199138.2 (MANE Select); coding-DNA position 1879, G replaced by A.
Protein change: p.Ala627Thr; replaces alanine 627 with threonine.
Molecular consequence: missense variant. On other transcripts: intron variant (1).
Genome position (GRCh38, 1-based): chr2:32,249,985, C>T on the plus strand (G>A on the coding strand, the complement: NLRC4 is on the minus strand). VCF-style: chr2-32249985-C-T. GRCh37 (hg19) VCF-style: chr2-32475054-C-T.
Other names: c.1879G>A, p.Ala627Thr (NM_001199139.2, NM_021209.5); c.262+2434G>A (NM_001302504.1); short protein forms A627T.
Identifiers: ClinVar variation 2078246 (VCV002078246.4), dbSNP rs1281475719, ClinGen allele CA346511499.
Genomic context (GRCh38, chr2:32,249,985, plus strand): 5'-TGCTGGGAATGTAGGTTTCTGGGGCCTCTTCCATGTGGATTCCACCTGTGTCTTCTGCAG[C>T]CTTTTCCCATGAAGCCATAGCTCCCCCATAAAAGTCCAGTTTAATGAAGTCCAGGGCACT-3'
Protein context (NP_001186067.1, residues 617-637): YGGAMASWEK[Ala627Thr]AEDTGGIHME

ClinVar aggregate classification (germline): Uncertain significance (1 of 4 stars; one submission).

Conditions:
Periodic fever-infantile enterocolitis-autoinflammatory syndrome. Also called: Autoinflammation with infantile enterocolitis. Identifiers: Orphanet 436166, MedGen C4015067, MONDO:0014472, OMIM 616050.
Familial cold autoinflammatory syndrome 4 (FCAS4). Identifiers: Orphanet 47045, Orphanet 576349, MedGen C4015276, MONDO:0014498, OMIM 616115.

Submission:

Labcorp Genetics (formerly Invitae), Labcorp
Classification: Uncertain significance for Periodic fever-infantile enterocolitis-autoinflammatory syndrome; Familial cold autoinflammatory syndrome 4. Last evaluated: 2022-04-22. Review status: criteria provided, single submitter. Criteria: Invitae Variant Classification Sherloc (09022015). Collection method: clinical testing. Allele origin: germline.
Comment: This sequence change replaces alanine, which is neutral and non-polar, with threonine, which is neutral and polar, at codon 627 of the NLRC4 protein (p.Ala627Thr). This variant is present in population databases (no rsID available, gnomAD 0.004%). This variant has not been reported in the literature in individuals affected with NLRC4-related conditions. Algorithms developed to predict the effect of missense changes on protein structure and function (SIFT, PolyPhen-2, Align-GVGD) all suggest that this variant is likely to be tolerated. In summary, the available evidence is currently insufficient to determine the role of this variant in disease. Therefore, it has been classified as a Variant of Uncertain Significance.